The following is an entry in ClinVar:

NM_000038.6(APC):c.3387G>C (p.Leu1129Phe)

Gene: APC (APC regulator of Wnt signaling pathway; plus strand). Cytogenetic location: 5q22.2.
Variant type: single nucleotide variant.
Coding change: c.3387G>C on transcript NM_000038.6 (MANE Select); coding-DNA position 3387, G replaced by C.
Protein change: p.Leu1129Phe; replaces leucine 1129 with phenylalanine.
Molecular consequence: missense variant.
Genome position (GRCh38, 1-based): chr5:112,838,981, G>C. VCF-style: chr5-112838981-G-C. GRCh37 (hg19) VCF-style: chr5-112174678-G-C.
Other names: c.3441G>C, p.Leu1147Phe (NM_001407447.1, NM_001354896.2, NM_001407448.1 and 1 more transcripts); c.3387G>C, p.Leu1129Phe (NM_001127510.3, NM_001354895.2, NM_001407450.1); c.3333G>C, p.Leu1111Phe (NM_001127511.3); c.3417G>C, p.Leu1139Phe (NM_001354897.2); c.3312G>C, p.Leu1104Phe (NM_001354898.2); c.3303G>C, p.Leu1101Phe (NM_001354899.2); c.3264G>C, p.Leu1088Phe (NM_001354900.2); c.3210G>C, p.Leu1070Phe (NM_001354901.2, NM_001407453.1); and 11 more; short protein forms L1028F, L1111F, L1147F, L846F, L1000F, L1070F, L1129F, L1139F.
Identifiers: ClinVar variation 1730863 (VCV001730863.2), dbSNP rs730881225, ClinGen allele CA16028752.
Genomic context (GRCh38, chr5:112,838,981, plus strand): 5'-TTCAGAAACAAATCGAGTGGGTTCTAATCATGGAATTAATCAAAATGTAAGCCAGTCTTT[G>C]TGTCAAGAAGATGACTATGAAGATGATAAGCCTACCAATTATAGTGAACGTTACTCTGAA-3'
Protein context (NP_000029.2, residues 1119-1139): HGINQNVSQS[Leu1129Phe]CQEDDYEDDK

ClinVar aggregate classification (germline): Uncertain significance (1 of 4 stars; one submission).

Conditions:
Hereditary cancer-predisposing syndrome. Also called: Neoplastic Syndromes, Hereditary; Tumor predisposition; Hereditary Cancer Syndrome; Hereditary neoplastic syndrome. Identifiers: Orphanet 140162, MedGen C0027672, MeSH D009386, MONDO:0015356.

Submission:

Ambry Genetics
Classification: Uncertain significance for Hereditary cancer-predisposing syndrome. Last evaluated: 2021-05-13. Review status: criteria provided, single submitter. Criteria: Ambry Variant Classification Scheme 2023. Collection method: clinical testing. Allele origin: germline.
Comment: The p.L1129F variant (also known as c.3387G>C), located in coding exon 15 of the APC gene, results from a G to C substitution at nucleotide position 3387. The leucine at codon 1129 is replaced by phenylalanine, an amino acid with highly similar properties. This amino acid position is well conserved in available vertebrate species. In addition, in silico predictors for this gene do not accurately predict pathogenicity. Since supporting evidence is limited at this time, the clinical significance of this alteration remains unclear.